The following is an entry in ClinVar:

NM_000501.4(ELN):c.1817del (p.Leu606fs)

Gene: ELN (elastin; plus strand). Cytogenetic location: 7q11.23.
Variant type: Deletion.
Coding change: c.1817del on transcript NM_000501.4 (MANE Select); coding-DNA position 1817, one base deleted (T; older notation c.1817delT).
Protein change: p.Leu606fs; shifts the reading frame from leucine 606.
Molecular consequence: frameshift variant.
Genome position (GRCh38, 1-based): chr7:74,063,183, T deleted. VCF-style (leftmost placement, unchanged base first): chr7-74063182-CT-C. GRCh37 (hg19) VCF-style: chr7-73477512-CT-C.
Other names: c.1730del, p.Leu577fs (NM_001081752.3); c.1775del, p.Leu592fs (NM_001081753.3); c.1832del, p.Leu611fs (NM_001081754.3); c.1760del, p.Leu587fs (NM_001081755.3); c.1817del, p.Leu606fs (NM_001278912.2); c.1574del, p.Leu525fs (NM_001278913.2); c.1745del, p.Leu582fs (NM_001278914.2); c.1835del, p.Leu612fs (NM_001278915.2); and 4 more; short protein forms L582fs, L587fs, L606fs, L592fs, L611fs, L668fs, L517fs, L612fs.
Identifiers: ClinVar variation 860361 (VCV000860361.7), dbSNP rs1797063858, ClinGen allele CA916082932.

ClinVar aggregate classification (germline): Pathogenic (1 of 4 stars; one submission).

Conditions:
Supravalvar aortic stenosis (SVAS). Also called: Supravalvar aortic stenosis, Eisenberg type. Identifiers: Orphanet 3193, MedGen C0003499, MONDO:0008504, OMIM 185500, HP:0004381.

Submission:

Labcorp Genetics (formerly Invitae), Labcorp
Classification: Pathogenic for Supravalvar aortic stenosis. Last evaluated: 2019-11-28. Review status: criteria provided, single submitter. Criteria: Invitae Variant Classification Sherloc (09022015). Collection method: clinical testing. Allele origin: germline.
Comment: This sequence change creates a premature translational stop signal (p.Leu668Profs*7) in the ELN gene. It is expected to result in an absent or disrupted protein product. This variant is not present in population databases (ExAC no frequency). This variant has not been reported in the literature in individuals with ELN-related conditions. Loss-of-function variants in ELN are known to be pathogenic (PMID: 11175284). For these reasons, this variant has been classified as Pathogenic.

Literature cited by the submitters: PubMed 11175284.